The following is an entry in ClinVar:

ClinVar aggregate classification (germline): Likely pathogenic. Review status: criteria provided, single submitter (1 of 4 stars). 3 submissions from 3 submitters: Likely pathogenic (1). 2 of the submissions do not count toward it. Last evaluated 2022-02-08.

Conditions:
Intellectual developmental disorder, autosomal recessive 12. Also called: Intellectual disability, autosomal recessive 12. Identifiers: Orphanet 88616, MedGen C1970200, MONDO:0012612, OMIM 611090.
Severe intellectual disability. Identifiers: MedGen C0036857, HP:0010864.
Frequent falls. Identifiers: MedGen C0850703, HP:0002359.
Difficulty walking. Identifiers: MedGen C0311394.
Aggressive behavior. Also called: Abnormal aggressive, impulsive or violent behavior. Identifiers: MedGen C0001807, HP:0000718.
Prolonged neonatal jaundice. Identifiers: MedGen C1859236, HP:0006579.

Allele frequency attached by ClinVar (database versions not stated): gnomAD 0.00001; gnomAD exomes below 0.00001.
gnomAD v4.1: 4 of 1,614,008 alleles (0.00025%); highest among the groups gnomAD compares: Non-Finnish European, 0.00034%; no homozygotes.

Submissions (3):

Laboratorio de Genetica e Diagnostico Molecular, Hospital Israelita Albert Einstein
Classification: Likely pathogenic for Intellectual developmental disorder, autosomal recessive 12. Last evaluated: 2022-02-08. Review status: criteria provided, single submitter. Criteria: ACMG Guidelines, 2015. Collection method: clinical testing. Allele origin: germline. Affected: yes.
Comment: ACMG classification criteria: PS4 supporting, PM2 moderate, PM3 moderate, PP1 supporting, BP4 supporting

OMIM
Classification: Pathogenic for INTELLECTUAL DEVELOPMENTAL DISORDER, AUTOSOMAL RECESSIVE 12. Last evaluated: 2022-11-02. Review status: no assertion criteria provided. Collection method: literature only. Allele origin: germline. Not counted in ClinVar's aggregate classification.

Human Genetics Department, Tarbiat Modares University
Classification: Uncertain significance for Prolonged neonatal jaundice; Gait disturbance; Frequent falls; Aggressive behavior; Severe intellectual disability. Review status: no assertion criteria provided. Collection method: case-control. Allele origin: inherited. Inheritance: Autosomal recessive inheritance. Affected: yes. Observed: 1 homozygote. Not counted in ClinVar's aggregate classification.

Literature cited by the submitters: PubMed 32666583 (cited by OMIM).

NM_006279.5(ST3GAL3):c.1046C>T (p.Thr349Met)

Gene: ST3GAL3 (ST3 beta-galactoside alpha-2,3-sialyltransferase 3; plus strand). Cytogenetic location: 1p34.1.
Variant type: single nucleotide variant.
Coding change: c.1046C>T on transcript NM_006279.5 (MANE Select); coding-DNA position 1046, C replaced by T.
Protein change: p.Thr349Met; replaces threonine 349 with methionine.
Molecular consequence: missense variant. On other transcripts: 3 prime UTR variant (1), synonymous variant (6), non-coding transcript variant (8).
Genome position (GRCh38, 1-based): chr1:43,930,139, C>T. VCF-style: chr1-43930139-C-T. GRCh37 (hg19) VCF-style: chr1-44395811-C-T.
Other names: c.956C>T, p.Thr319Met (NM_001270459.2); c.953C>T, p.Thr318Met (NM_001270460.2); c.704C>T, p.Thr235Met (NM_001270461.3); c.611C>T, p.Thr204Met (NM_001270462.3); c.562C>T, p.Arg188Cys (NM_001270463.3); c.517C>T, p.Arg173Cys (NM_001270464.3); c.*30C>T (NM_001270465.3); c.262C>T, p.Arg88Cys (NM_001270466.3); and 13 more; short protein forms R173C, R188C, R88C, T204M, T235M, T251M, T305M, T318M.
Identifiers: ClinVar variation 805790 (VCV000805790.8), dbSNP rs1201878175, ClinGen allele CA340036627.